The following is an entry in ClinVar:

NM_005732.4(RAD50):c.3857T>A (p.Phe1286Tyr)

Genes: TH2LCRR (T helper type 2 locus control region associated RNA; minus strand), RAD50 (RAD50 double strand break repair protein; plus strand). Cytogenetic location: 5q31.1.
Variant type: single nucleotide variant.
Coding change: c.3857T>A on transcript NM_005732.4 (MANE Select); coding-DNA position 3857, T replaced by A.
Protein change: p.Phe1286Tyr; replaces phenylalanine 1286 with tyrosine.
Molecular consequence: missense variant. On other transcripts: non-coding transcript variant (1).
Genome position (GRCh38, 1-based): chr5:132,642,282, T>A. VCF-style: chr5-132642282-T-A. GRCh37 (hg19) VCF-style: chr5-131977974-T-A.
Other names: short protein forms F1286Y.
Identifiers: ClinVar variation 824308 (VCV000824308.4), dbSNP rs587781369, ClinGen allele CA360936959.
Genomic context (GRCh38, chr5:132,642,282, plus strand): 5'-TAATCACTCATGATGAAGATTTTGTGGAGCTTTTAGGACGTTCTGAATATGTGGAGAAAT[T>A]CTACAGGATTAAAAAGAACATCGATCAGTGCTCAGAGATTGTGAAATGCAGTGTTAGCTC-3'
Protein context (NP_005723.2, residues 1276-1296): LLGRSEYVEK[Phe1286Tyr]YRIKKNIDQC

ClinVar aggregate classification (germline): Uncertain significance (1 of 4 stars; one submission).

Conditions:
Hereditary cancer-predisposing syndrome. Also called: Neoplastic Syndromes, Hereditary; Tumor predisposition; Hereditary neoplastic syndrome; Hereditary Cancer Syndrome. Identifiers: Orphanet 140162, MedGen C0027672, MeSH D009386, MONDO:0015356.

Submission:

Ambry Genetics
Classification: Uncertain significance for Hereditary cancer-predisposing syndrome. Last evaluated: 2018-09-13. Review status: criteria provided, single submitter. Criteria: Ambry Variant Classification Scheme 2023. Collection method: clinical testing. Allele origin: germline.
Comment: The p.F1286Y variant (also known as c.3857T>A), located in coding exon 25 of the RAD50 gene, results from a T to A substitution at nucleotide position 3857. The phenylalanine at codon 1286 is replaced by tyrosine, an amino acid with highly similar properties. This amino acid position is highly conserved in available vertebrate species. In addition, the in silico prediction for this alteration is inconclusive. Since supporting evidence is limited at this time, the clinical significance of this alteration remains unclear.